The following is an entry in ClinVar:

NM_001458.5(FLNC):c.1171G>A (p.Val391Met)

Gene: FLNC (filamin C; plus strand). Cytogenetic location: 7q32.1.
Variant type: single nucleotide variant.
Coding change: c.1171G>A on transcript NM_001458.5 (MANE Select); coding-DNA position 1171, G replaced by A.
Protein change: p.Val391Met; replaces valine 391 with methionine.
Molecular consequence: missense variant.
Genome position (GRCh38, 1-based): chr7:128,838,390, G>A. VCF-style: chr7-128838390-G-A. GRCh37 (hg19) VCF-style: chr7-128478444-G-A.
Other names: c.1171G>A, p.Val391Met (NM_001127487.2); short protein forms V391M.
Identifiers: ClinVar variation 539408 (VCV000539408.10), dbSNP rs757887021, ClinGen allele CA4474251.
Genomic context (GRCh38, chr7:128,838,390, plus strand): 5'-GCCCTGGGAGATGCCAACAAGGTGTCAGCCCGTGGCCCTGGCCTGGAACCTGTGGGCAAT[G>A]TGGCCAACAAACCCACCTACTTTGACATCTACACTGCGGGTAGGACGGGCCCCAGGGGGT-3'
Protein context (NP_001449.3, residues 381-401): RGPGLEPVGN[Val391Met]ANKPTYFDIY

ClinVar aggregate classification (germline): Uncertain significance. Review status: criteria provided, multiple submitters, no conflicts (2 of 4 stars). 2 submissions from 2 submitters: Uncertain significance (2). Last evaluated 2024-11-26.

Conditions:
Cardiovascular phenotype. Identifiers: MedGen CN230736.
Dilated Cardiomyopathy, Dominant.
Distal myopathy with posterior leg and anterior hand involvement. Also called: WILLIAMS DISTAL MYOPATHY. Identifiers: Orphanet 63273, MedGen C3279722, MONDO:0013550, OMIM 614065.
Myofibrillar myopathy 5. Also called: Filaminopathy (type); FILAMINOPATHY, AUTOSOMAL DOMINANT. Identifiers: Orphanet 171445, MedGen C1836050, MONDO:0012289, OMIM 609524.
Hypertrophic cardiomyopathy 26. Also called: Cardiomyopathy, familial hypertrophic, 26. Identifiers: Orphanet 75249, MedGen C4310749, MONDO:0014883, OMIM 617047.

Allele frequency attached by ClinVar (database versions not stated): ExAC 0.00001; gnomAD exomes 0.00001.
gnomAD v4.1: 3 of 1,613,668 alleles (0.00019%); highest among the groups gnomAD compares: Admixed American, 0.0033%; no homozygotes.

Submissions (2):

Labcorp Genetics (formerly Invitae), Labcorp
Classification: Uncertain significance for Distal myopathy with posterior leg and anterior hand involvement; Myofibrillar myopathy 5; Hypertrophic cardiomyopathy 26. Last evaluated: 2024-11-26. Review status: criteria provided, single submitter. Criteria: Invitae Variant Classification Sherloc (09022015). Collection method: clinical testing. Allele origin: germline.
Comment: This sequence change replaces valine, which is neutral and non-polar, with methionine, which is neutral and non-polar, at codon 391 of the FLNC protein (p.Val391Met). This variant is present in population databases (rs757887021, gnomAD 0.006%). This variant has not been reported in the literature in individuals affected with FLNC-related conditions. ClinVar contains an entry for this variant (Variation ID: 539408). Invitae Evidence Modeling of protein sequence and biophysical properties (such as structural, functional, and spatial information, amino acid conservation, physicochemical variation, residue mobility, and thermodynamic stability) has been performed for this missense variant. However, the output from this modeling did not meet the statistical confidence thresholds required to predict the impact of this variant on FLNC protein function. In summary, the available evidence is currently insufficient to determine the role of this variant in disease. Therefore, it has been classified as a Variant of Uncertain Significance.

Ambry Genetics
Classification: Uncertain significance for Cardiovascular phenotype. Last evaluated: 2024-02-23. Review status: criteria provided, single submitter. Criteria: Ambry Variant Classification Scheme 2023. Collection method: clinical testing. Allele origin: germline.
Comment: The p.V391M variant (also known as c.1171G>A), located in coding exon 7 of the FLNC gene, results from a G to A substitution at nucleotide position 1171. The valine at codon 391 is replaced by methionine, an amino acid with highly similar properties. This amino acid position is conserved. In addition, the in silico prediction for this alteration is inconclusive. Since supporting evidence is limited at this time, the clinical significance of this alteration remains unclear.